The following is an entry in ClinVar:

ClinVar aggregate classification (germline): Uncertain significance. Review status: criteria provided, multiple submitters, no conflicts (2 of 4 stars). 2 submissions from 2 submitters: Uncertain significance (2). Last evaluated 2021-11-05.

Conditions:
Hereditary nonpolyposis colorectal neoplasms. Identifiers: MedGen C0009405, MeSH D003123.

Submissions (2):

Labcorp Genetics (formerly Invitae), Labcorp
Classification: Uncertain significance for Hereditary nonpolyposis colorectal neoplasms. Last evaluated: 2021-11-05. Review status: criteria provided, single submitter. Criteria: Invitae Variant Classification Sherloc (09022015). Collection method: clinical testing. Allele origin: germline.
Comment: In summary, the available evidence is currently insufficient to determine the role of this variant in disease. Therefore, it has been classified as a Variant of Uncertain Significance. ClinVar contains an entry for this variant (Variation ID: 993230). This variant has not been reported in the literature in individuals affected with MSH6-related conditions. This variant is not present in population databases (gnomAD no frequency). This variant, c.3150_3161dup, results in the insertion of 4 amino acid(s) of the MSH6 protein (p.Val1051_Ile1054dup), but otherwise preserves the integrity of the reading frame.

Quest Diagnostics Nichols Institute San Juan Capistrano
Classification: Uncertain significance. Last evaluated: 2020-07-10. Review status: criteria provided, single submitter. Criteria: Quest Diagnostics criteria. Collection method: clinical testing. Allele origin: unknown.

NM_000179.3(MSH6):c.3150_3161dup (p.Val1051_Ile1054dup)

Gene: MSH6 (mutS homolog 6; plus strand). Cytogenetic location: 2p16.3.
Variant type: Duplication.
Coding change: c.3150_3161dup on transcript NM_000179.3 (MANE Select); coding-DNA positions 3150 to 3161, 12 bases duplicated (TGTAGAGTGTAT).
Protein change: p.Val1051_Ile1054dup.
Molecular consequence: inframe insertion.
Genome position (GRCh38, 1-based): chr2:47,801,133-47,801,144, TGTAGAGTGTAT duplicated. VCF-style (leftmost placement, unchanged base first): chr2-47801132-C-CTGTAGAGTGTAT. GRCh37 (hg19) VCF-style: chr2-48028271-C-CTGTAGAGTGTAT.
Other names: c.2760_2771dup, p.Val921_Ile924dup (NM_001281492.2); c.2244_2255dup, p.Val749_Ile752dup (NM_001281493.2, NM_001281494.2).
Identifiers: ClinVar variation 993230 (VCV000993230.7), dbSNP rs1669556009, ClinGen allele CA1139656955.